The following is an entry in ClinVar:

ClinVar aggregate classification (germline): Uncertain significance (1 of 4 stars; one submission).

Allele frequency attached by ClinVar (database versions not stated): gnomAD exomes 0.00001; ExAC 0.00002.
gnomAD v4.1: 16 of 1,614,164 alleles (0.00099%); highest among the groups gnomAD compares: South Asian, 0.018%; no homozygotes.

Submission:

Labcorp Genetics (formerly Invitae), Labcorp
Classification: Uncertain significance. Last evaluated: 2022-05-24. Review status: criteria provided, single submitter. Criteria: Invitae Variant Classification Sherloc (09022015). Collection method: clinical testing. Allele origin: germline.
Comment: This variant has not been reported in the literature in individuals affected with DNASE2-related conditions. In summary, the available evidence is currently insufficient to determine the role of this variant in disease. Therefore, it has been classified as a Variant of Uncertain Significance. Algorithms developed to predict the effect of missense changes on protein structure and function output the following: SIFT: "Tolerated"; PolyPhen-2: "Benign"; Align-GVGD: "Class C0". The asparagine amino acid residue is found in multiple mammalian species, which suggests that this missense change does not adversely affect protein function. This variant is present in population databases (rs746192478, gnomAD 0.02%). This sequence change replaces serine, which is neutral and polar, with asparagine, which is neutral and polar, at codon 85 of the DNASE2 protein (p.Ser85Asn).

NM_001375.3(DNASE2):c.254G>A (p.Ser85Asn)

Genes: DNASE2 (deoxyribonuclease 2, lysosomal; minus strand), LOC117125588 (CRISPRi-FlowFISH-validated KLF1 regulatory element 1; plus strand). Cytogenetic location: 19p13.13.
Variant type: single nucleotide variant.
Coding change: c.254G>A on transcript NM_001375.3 (MANE Select); coding-DNA position 254, G replaced by A.
Protein change: p.Ser85Asn; replaces serine 85 with asparagine.
Molecular consequence: missense variant.
Genome position (GRCh38, 1-based): chr19:12,880,985, C>T on the plus strand (G>A on the coding strand, the complement: DNASE2 is on the minus strand). VCF-style: chr19-12880985-C-T. GRCh37 (hg19) VCF-style: chr19-12991799-C-T.
Other names: short protein forms S85N.
Identifiers: ClinVar variation 1975878 (VCV001975878.5), dbSNP rs746192478, ClinGen allele CA9233849.